The following is an entry in ClinVar:

ClinVar aggregate classification (germline): Uncertain significance (1 of 4 stars; one submission).

Conditions:
Hereditary cancer-predisposing syndrome. Also called: Neoplastic Syndromes, Hereditary; Tumor predisposition; Hereditary Cancer Syndrome; Hereditary neoplastic syndrome. Identifiers: Orphanet 140162, MedGen C0027672, MeSH D009386, MONDO:0015356.

Allele frequency attached by ClinVar (database versions not stated): gnomAD exomes below 0.00001.
gnomAD v4.1: 1 of 1,613,856 alleles (0.000062%); highest among the groups gnomAD compares: Non-Finnish European, 0.000085%; no homozygotes.

Submission:

Ambry Genetics
Classification: Uncertain significance for Hereditary cancer-predisposing syndrome. Last evaluated: 2025-11-19. Review status: criteria provided, single submitter. Criteria: Ambry Variant Classification Scheme 2023. Collection method: clinical testing. Allele origin: germline.
Comment: The p.M577T variant (also known as c.1730T>C), located in coding exon 10 of the ATM gene, results from a T to C substitution at nucleotide position 1730. The methionine at codon 577 is replaced by threonine, an amino acid with similar properties. This amino acid position is highly conserved in available vertebrate species. In addition, the in silico prediction for this alteration is inconclusive. Since supporting evidence is limited at this time, the clinical significance of this alteration remains unclear.

NM_000051.4(ATM):c.1730T>C (p.Met577Thr)

Gene: ATM (ATM serine/threonine kinase; plus strand). Cytogenetic location: 11q22.3.
Variant type: single nucleotide variant.
Coding change: c.1730T>C on transcript NM_000051.4 (MANE Select); coding-DNA position 1730, T replaced by C.
Protein change: p.Met577Thr; replaces methionine 577 with threonine.
Molecular consequence: missense variant.
Genome position (GRCh38, 1-based): chr11:108,251,959, T>C. VCF-style: chr11-108251959-T-C. GRCh37 (hg19) VCF-style: chr11-108122686-T-C.
Other names: c.1730T>C, p.Met577Thr (NM_001351834.2); short protein forms M577T.
Identifiers: ClinVar variation 819929 (VCV000819929.5), dbSNP rs1591527919, ClinGen allele CA382535302.